The following is an entry in ClinVar:

ClinVar aggregate classification (germline): Uncertain significance (1 of 4 stars; one submission).

Conditions:
Familial encephalopathy with neuroserpin inclusion bodies. Also called: ENCEPHALOPATHY, FAMILIAL, WITH COLLINS BODIES. Identifiers: Orphanet 85110, MedGen C1858680, MONDO:0011412, OMIM 604218.

Allele frequency attached by ClinVar (database versions not stated): gnomAD exomes below 0.00001.
gnomAD v4.1: 1 of 1,614,138 alleles (0.000062%); highest among the groups gnomAD compares: Admixed American, 0.0017%; no homozygotes.

Submission:

Labcorp Genetics (formerly Invitae), Labcorp
Classification: Uncertain significance for Familial encephalopathy with neuroserpin inclusion bodies. Last evaluated: 2024-12-16. Review status: criteria provided, single submitter. Criteria: Invitae Variant Classification Sherloc (09022015). Collection method: clinical testing. Allele origin: germline.
Comment: This sequence change replaces valine, which is neutral and non-polar, with alanine, which is neutral and non-polar, at codon 11 of the SERPINI1 protein (p.Val11Ala). This variant is not present in population databases (gnomAD no frequency). This variant has not been reported in the literature in individuals affected with SERPINI1-related conditions. ClinVar contains an entry for this variant (Variation ID: 2156345). Invitae Evidence Modeling of protein sequence and biophysical properties (such as structural, functional, and spatial information, amino acid conservation, physicochemical variation, residue mobility, and thermodynamic stability) indicates that this missense variant is not expected to disrupt SERPINI1 protein function with a negative predictive value of 95%. In summary, the available evidence is currently insufficient to determine the role of this variant in disease. Therefore, it has been classified as a Variant of Uncertain Significance.

NM_001122752.2(SERPINI1):c.32T>C (p.Val11Ala)

Gene: SERPINI1 (serpin family I member 1; plus strand). Cytogenetic location: 3q26.1.
Variant type: single nucleotide variant.
Coding change: c.32T>C on transcript NM_001122752.2 (MANE Select); coding-DNA position 32, T replaced by C.
Protein change: p.Val11Ala; replaces valine 11 with alanine.
Molecular consequence: missense variant.
Genome position (GRCh38, 1-based): chr3:167,789,160, T>C. VCF-style: chr3-167789160-T-C. GRCh37 (hg19) VCF-style: chr3-167506948-T-C.
Other names: c.32T>C, p.Val11Ala (NM_005025.5); short protein forms V11A.
Identifiers: ClinVar variation 2156345 (VCV002156345.4), dbSNP rs2476220577, ClinGen allele CA355155399.